The following is an entry in ClinVar:

ClinVar aggregate classification (germline): Uncertain significance (1 of 4 stars; one submission).

Allele frequency attached by ClinVar (database versions not stated): gnomAD exomes below 0.00001; ExAC 0.00001.
gnomAD v4.1: 1 of 1,611,454 alleles (0.000062%); highest among the groups gnomAD compares: Non-Finnish European, 0.000085%; no homozygotes.

Submission:

GeneDx
Classification: Uncertain significance. Last evaluated: 2019-12-03. Review status: criteria provided, single submitter. Criteria: GeneDx Variant Classification Process June 2021. Collection method: clinical testing. Allele origin: germline. Affected: yes.
Comment: Has not been previously published as pathogenic or benign to our knowledge; Nonsense variant predicted to result in protein truncation, although loss-of-function variants have not been reported downstream of this position in the protein; Not observed at a significant frequency in large population cohorts (Lek et al., 2016)

NM_001283009.2(RTEL1):c.3808C>T (p.Gln1270Ter)

Genes: RTEL1 (regulator of telomere elongation helicase 1; plus strand), RTEL1-TNFRSF6B (RTEL1-TNFRSF6B readthrough (NMD candidate); plus strand). Cytogenetic location: 20q13.33.
Variant type: single nucleotide variant.
Coding change: c.3808C>T on transcript NM_001283009.2 (MANE Select); coding-DNA position 3808, C replaced by T.
Protein change: p.Gln1270Ter; replaces glutamine 1270 with a stop codon.
Molecular consequence: nonsense. On other transcripts: non-coding transcript variant (1), intron variant (3).
Genome position (GRCh38, 1-based): chr20:63,695,636, C>T. VCF-style: chr20-63695636-C-T. GRCh37 (hg19) VCF-style: chr20-62326989-C-T.
Other names: c.2984-142C>T (NM_001283010.1); c.3725-142C>T (NM_032957.5); c.3653-142C>T (NM_016434.4); short protein forms Q1270*.
Identifiers: ClinVar variation 1310452 (VCV001310452.2), dbSNP rs751235783, ClinGen allele CA9966189.